The following is an entry in ClinVar:

NM_004667.6(HERC2):c.5120+8G>A

Gene: HERC2 (HECT and RLD domain containing E3 ubiquitin protein ligase 2; minus strand). Cytogenetic location: 15q13.1.
Variant type: single nucleotide variant.
Coding change: c.5120+8G>A on transcript NM_004667.6 (MANE Select); 8 bases into the intron after coding-DNA position 5120, G replaced by A.
Molecular consequence: intron variant.
Genome position (GRCh38, 1-based): chr15:28,229,452, C>T on the plus strand (G>A on the coding strand, the complement: HERC2 is on the minus strand). VCF-style: chr15-28229452-C-T. GRCh37 (hg19) VCF-style: chr15-28474598-C-T.
Identifiers: ClinVar variation 3771953 (VCV003771953.13).

ClinVar aggregate classification (germline): Uncertain significance (1 of 4 stars; one submission).

gnomAD v4.1: 7 of 1,613,634 alleles (0.00043%); highest among the groups gnomAD compares: Non-Finnish European, 0.00059%; no homozygotes.

Submission:

CeGaT Center for Human Genetics Tuebingen
Classification: Uncertain significance. Last evaluated: 2024-12-01. Review status: criteria provided, single submitter. Criteria: CeGaT Center For Human Genetics Tuebingen Variant Classification Criteria Version 2. Collection method: clinical testing. Allele origin: germline. Affected: yes. Observed: 1 variant allele.
Comment: HERC2: PM2, BP4